The following is an entry in ClinVar:

ClinVar aggregate classification (germline): Conflicting classifications of pathogenicity. Review status: criteria provided, conflicting classifications (1 of 4 stars). 2 submissions from 2 submitters: Uncertain significance (1); Likely benign (1). Last evaluated 2024-09-10.

Conditions:
Neuronal ceroid lipofuscinosis. Also called: Neuronal Ceroid Lipofuscinoses. Identifiers: Orphanet 216, Orphanet 79263, MedGen C0027877, MONDO:0016295. Disease mechanism: loss of function.
Inborn genetic diseases. Identifiers: MedGen C0950123, MeSH D030342.

Allele frequency attached by ClinVar (database versions not stated): gnomAD 0.00001; gnomAD exomes 0.00001 and 0.00002; TOPMed 0.00001; ExAC 0.00003.
gnomAD v4.1: 18 of 1,611,044 alleles (0.0011%); highest among the groups gnomAD compares: South Asian, 0.0033%; no homozygotes.

Submissions (2):

Labcorp Genetics (formerly Invitae), Labcorp
Classification: Likely benign for Neuronal ceroid lipofuscinosis. Last evaluated: 2024-09-10. Review status: criteria provided, single submitter. Criteria: Invitae Variant Classification Sherloc (09022015). Collection method: clinical testing. Allele origin: germline.

Ambry Genetics
Classification: Uncertain significance for Inborn genetic diseases. Last evaluated: 2021-11-08. Review status: criteria provided, single submitter. Criteria: Ambry Variant Classification Scheme 2023. Collection method: clinical testing. Allele origin: germline.
Comment: The c.199-4G>A intronic alteration consists of a G to A substitution 4 nucleotides before exon 3 of the CLN6 gene. Based on insufficient or conflicting evidence, the clinical significance of this alteration remains unclear.

NM_017882.3(CLN6):c.199-4G>A

Gene: CLN6 (CLN6 transmembrane ER protein; minus strand). Cytogenetic location: 15q23.
Variant type: single nucleotide variant.
Coding change: c.199-4G>A on transcript NM_017882.3 (MANE Select); 4 bases into the intron before coding-DNA position 199, G replaced by A.
Molecular consequence: intron variant.
Genome position (GRCh38, 1-based): chr15:68,214,392, C>T on the plus strand (G>A on the coding strand, the complement: CLN6 is on the minus strand). VCF-style: chr15-68214392-C-T. GRCh37 (hg19) VCF-style: chr15-68506730-C-T.
Other names: c.199-4G>A (NM_017882.2).
Identifiers: ClinVar variation 1159620 (VCV001159620.10), dbSNP rs767945732, ClinGen allele CA7630669.